The following is an entry in ClinVar:

NM_001457.4(FLNB):c.2297C>T (p.Thr766Met)

Gene: FLNB (filamin B; plus strand). Cytogenetic location: 3p14.3.
Variant type: single nucleotide variant.
Coding change: c.2297C>T on transcript NM_001457.4 (MANE Select); coding-DNA position 2297, C replaced by T.
Protein change: p.Thr766Met; replaces threonine 766 with methionine.
Molecular consequence: missense variant.
Genome position (GRCh38, 1-based): chr3:58,109,673, C>T. VCF-style: chr3-58109673-C-T. GRCh37 (hg19) VCF-style: chr3-58095400-C-T.
Other names: c.2297C>T (NM_001457.3); c.2297C>T, p.Thr766Met (NM_001164317.2, NM_001164318.2, NM_001164319.2); short protein forms T766M.
Identifiers: ClinVar variation 989333 (VCV000989333.10), dbSNP rs758045039, ClinGen allele CA2468069.
Genomic context (GRCh38, chr3:58,109,673, plus strand): 5'-AAGTGTTTGGGCCAGGTGTGGAGAGAAGTGGTCTGAAGGCAAATGAACCTACACACTTCA[C>T]GGTGGACTGTACTGAGGCTGGGGAAGGTGAGAAAGGGCTTTGTTCAACCCAGTGATCATT-3'
Protein context (NP_001448.2, residues 756-776): GLKANEPTHF[Thr766Met]VDCTEAGEGD

ClinVar aggregate classification (germline): Conflicting classifications of pathogenicity. Review status: criteria provided, conflicting classifications (1 of 4 stars). 4 submissions from 4 submitters: Uncertain significance (3); Likely benign (1). Last evaluated 2025-08-24.

Conditions:
FLNB-Related Spectrum Disorders.
Inborn genetic diseases. Identifiers: MedGen C0950123, MeSH D030342.

Allele frequency attached by ClinVar (database versions not stated): gnomAD 0.00001; gnomAD exomes 0.00002 and 0.00003; TOPMed 0.00002; ExAC 0.00005.
gnomAD v4.1: 30 of 1,613,982 alleles (0.0019%); highest among the groups gnomAD compares: Middle Eastern, 0.049%; no homozygotes.

Submissions (4):

Ambry Genetics
Classification: Uncertain significance for Inborn genetic diseases. Last evaluated: 2025-08-24. Review status: criteria provided, single submitter. Criteria: Ambry Variant Classification Scheme 2023. Collection method: clinical testing. Allele origin: germline.

Labcorp Genetics (formerly Invitae), Labcorp
Classification: Likely benign. Last evaluated: 2025-04-10. Review status: criteria provided, single submitter. Criteria: Invitae Variant Classification Sherloc (09022015). Collection method: clinical testing. Allele origin: germline.

GeneDx
Classification: Uncertain significance. Last evaluated: 2024-06-10. Review status: criteria provided, single submitter. Criteria: GeneDx Variant Classification Process June 2021. Collection method: clinical testing. Allele origin: germline. Affected: yes.
Comment: In silico analysis supports that this missense variant has a deleterious effect on protein structure/function; Has not been previously published as pathogenic or benign to our knowledge

Illumina Laboratory Services, Illumina
Classification: Uncertain significance for FLNB-Related Spectrum Disorders. Last evaluated: 2019-05-02. Review status: criteria provided, single submitter. Criteria: ICSLVariantClassificationCriteria RUGD 01 April 2020. Collection method: clinical testing. Allele origin: unknown.
Comment: The FLNB c.2297C>T (p.Thr766Met) variant is a missense variant. A literature search was performed for the gene, cDNA change, and amino acid change. No publications were found based on this search. This variant is found at a frequency of 0.000098 in the South Asian population of the Genome Aggregation Database in a region of good sequence coverage. Based on the limited evidence, the p.Thr766Met variant is classified as a variant of uncertain significance for FLNB-related spectrum disorders.